The following is an entry in ClinVar:

ClinVar aggregate classification (germline): Uncertain significance (1 of 4 stars; one submission).

Conditions:
Hereditary antithrombin deficiency (AT3D). Also called: Antithrombin III deficiency; Reduced antithrombin III activity; Thrombophilia due to antithrombin III deficiency; Antithrombin deficiency. Identifiers: Orphanet 82, MedGen C0272375, MONDO:0013144, OMIM 613118, HP:0001976.

Allele frequency attached by ClinVar (database versions not stated): ExAC 0.00001; TOPMed 0.00001; gnomAD exomes 0.00002; gnomAD 0.00003; 1000 Genomes Project 30x 0.00016; 1000 Genomes Project 0.00020.
gnomAD v4.1: 40 of 1,614,194 alleles (0.0025%); highest among the groups gnomAD compares: Middle Eastern, 0.016%; no homozygotes.

Submission:

Labcorp Genetics (formerly Invitae), Labcorp
Classification: Uncertain significance for Hereditary antithrombin deficiency. Last evaluated: 2023-10-05. Review status: criteria provided, single submitter. Criteria: Invitae Variant Classification Sherloc (09022015). Collection method: clinical testing. Allele origin: germline.
Comment: This sequence change replaces valine, which is neutral and non-polar, with methionine, which is neutral and non-polar, at codon 30 of the SERPINC1 protein (p.Val30Met). This variant is present in population databases (rs532883680, gnomAD 0.02%). This variant has not been reported in the literature in individuals affected with SERPINC1-related conditions. Advanced modeling of protein sequence and biophysical properties (such as structural, functional, and spatial information, amino acid conservation, physicochemical variation, residue mobility, and thermodynamic stability) performed at Invitae indicates that this missense variant is not expected to disrupt SERPINC1 protein function. In summary, the available evidence is currently insufficient to determine the role of this variant in disease. Therefore, it has been classified as a Variant of Uncertain Significance.

NM_000488.4(SERPINC1):c.88G>A (p.Val30Met)

Gene: SERPINC1 (serpin family C member 1; minus strand). Cytogenetic location: 1q25.1.
Variant type: single nucleotide variant.
Coding change: c.88G>A on transcript NM_000488.4 (MANE Select); coding-DNA position 88, G replaced by A.
Protein change: p.Val30Met; replaces valine 30 with methionine.
Molecular consequence: missense variant. On other transcripts: 5 prime UTR variant (1).
Genome position (GRCh38, 1-based): chr1:173,914,873, C>T on the plus strand (G>A on the coding strand, the complement: SERPINC1 is on the minus strand). VCF-style: chr1-173914873-C-T. GRCh37 (hg19) VCF-style: chr1-173884011-C-T.
Other names: c.-57G>A (NM_001365052.2); c.88G>A, p.Val30Met (NM_001386302.1, NM_001386304.1, NM_001386305.1 and 1 more transcripts); c.169G>A, p.Val57Met (NM_001386303.1); short protein forms V57M, V30M.
Identifiers: ClinVar variation 2957430 (VCV002957430.1), dbSNP rs532883680, ClinGen allele CA1251470.